The following is an entry in ClinVar:

ClinVar aggregate classification (germline): Uncertain significance. Review status: criteria provided, multiple submitters, no conflicts (2 of 4 stars). 2 submissions from 2 submitters: Uncertain significance (2). Last evaluated 2022-04-28.

Conditions:
Bethlem myopathy 1A. Also called: MYOPATHY, BENIGN CONGENITAL, WITH CONTRACTURES; Bethlem Muscular Dystrophy; Bethlem myopathy 1. Identifiers: Orphanet 610, MedGen CN029274, MONDO:0024530, OMIM 158810.

Submissions (2):

Revvity Omics, Revvity
Classification: Uncertain significance. Last evaluated: 2022-04-28. Review status: criteria provided, single submitter. Criteria: ACMG Guidelines, 2015. Collection method: clinical testing. Allele origin: germline.

Labcorp Genetics (formerly Invitae), Labcorp
Classification: Uncertain significance for Bethlem myopathy 1A. Last evaluated: 2022-01-07. Review status: criteria provided, single submitter. Criteria: Invitae Variant Classification Sherloc (09022015). Collection method: clinical testing. Allele origin: germline.
Comment: In summary, the available evidence is currently insufficient to determine the role of this variant in disease. Therefore, it has been classified as a Variant of Uncertain Significance. Advanced modeling of protein sequence and biophysical properties (such as structural, functional, and spatial information, amino acid conservation, physicochemical variation, residue mobility, and thermodynamic stability) performed at Invitae indicates that this missense variant is not expected to disrupt COL6A3 protein function. This variant has not been reported in the literature in individuals affected with COL6A3-related conditions. This variant is not present in population databases (gnomAD no frequency). This sequence change replaces glutamic acid, which is acidic and polar, with lysine, which is basic and polar, at codon 593 of the COL6A3 protein (p.Glu593Lys).

NM_004369.4(COL6A3):c.1777G>A (p.Glu593Lys)

Gene: COL6A3 (collagen type VI alpha 3 chain; minus strand). Cytogenetic location: 2q37.3.
Variant type: single nucleotide variant.
Coding change: c.1777G>A on transcript NM_004369.4 (MANE Select); coding-DNA position 1777, G replaced by A.
Protein change: p.Glu593Lys; replaces glutamic acid 593 with lysine.
Molecular consequence: missense variant.
Genome position (GRCh38, 1-based): chr2:237,381,035, C>T on the plus strand (G>A on the coding strand, the complement: COL6A3 is on the minus strand). VCF-style: chr2-237381035-C-T. GRCh37 (hg19) VCF-style: chr2-238289678-C-T.
Other names: c.556G>A, p.Glu186Lys (NM_057164.5, NM_057166.5); c.1159G>A, p.Glu387Lys (NM_057165.5, NM_057167.4); short protein forms E387K, E186K, E593K.
Identifiers: ClinVar variation 2052628 (VCV002052628.7), dbSNP rs2469928308, ClinGen allele CA351216889.